The following is an entry in ClinVar:

NM_000548.5(TSC2):c.139-2A>G

Gene: TSC2 (TSC complex subunit 2; plus strand). Cytogenetic location: 16p13.3.
Variant type: single nucleotide variant.
Coding change: c.139-2A>G on transcript NM_000548.5 (MANE Select); the canonical splice acceptor site of the intron before coding-DNA position 139, A replaced by G.
Molecular consequence: splice acceptor variant.
Genome position (GRCh38, 1-based): chr16:2,050,398, A>G. VCF-style: chr16-2050398-A-G. GRCh37 (hg19) VCF-style: chr16-2100399-A-G.
Other names: c.139-2A>G (NM_001114382.3, NM_001406663.1, NM_001406664.1 and 13 more transcripts); c.-1174-2A>G (NM_001406694.1, NM_001406695.1); c.-1281-2A>G (NM_001406696.1); c.-307-2A>G (NM_001406681.1); c.-88-2A>G (NM_001406682.1, NM_001406684.1, NM_001406685.1 and 3 more transcripts); c.-9-2A>G (NM_001406677.1, NM_001406675.1, NM_001406676.1 and 2 more transcripts); c.-1599-2A>G (NM_001406693.1); c.-678-2A>G (NM_001406680.1, NM_001406683.1, NM_001406687.1); and 3 more.
Identifiers: ClinVar variation 863043 (VCV000863043.13), dbSNP rs2084954667, ClinGen allele CA394303037.

ClinVar aggregate classification (germline): Pathogenic. Review status: criteria provided, multiple submitters, no conflicts (2 of 4 stars). 3 submissions from 3 submitters: Pathogenic (3). Last evaluated 2026-09-08.

Conditions:
Tuberous sclerosis 2 (TSC2). Identifiers: Orphanet 805, MedGen C1860707, MONDO:0013199, OMIM 613254.

Submissions (3):

GeneDx
Classification: Pathogenic. Last evaluated: 2026-09-08. Review status: criteria provided, single submitter. Criteria: GeneDx Variant Classification Process June 2021. Collection method: clinical testing. Allele origin: germline.
Comment: Reported previously as a maternally inherited variant in a fetus with multiple cardiac rhabdomyomas (PMID: 38806662); Reported previously in a patient with macrocephaly, renal cancer, colon cancer, GI polyps, and papillomatous papules; this patient also harbored a variant of uncertain significance in MET (PMID: 29684080); Canonical splice site variant predicted to result in an in-frame loss of the adjacent exon in a gene for which loss of function is a known mechanism of disease; Not observed at significant frequency in large population cohorts (gnomAD); This variant is associated with the following publications: (PMID: 18466115, 40225170, 38806662, 24271014, 31031587, 38081334, 29684080)

Labcorp Genetics (formerly Invitae), Labcorp
Classification: Pathogenic for Tuberous sclerosis 2. Last evaluated: 2022-11-08. Review status: criteria provided, single submitter. Criteria: Invitae Variant Classification Sherloc (09022015). Collection method: clinical testing. Allele origin: germline.
Comment: Algorithms developed to predict the effect of sequence changes on RNA splicing suggest that this variant may disrupt the consensus splice site. This sequence change affects an acceptor splice site in intron 2 of the TSC2 gene. It is expected to disrupt RNA splicing. Variants that disrupt the donor or acceptor splice site typically lead to a loss of protein function (PMID: 16199547), and loss-of-function variants in TSC2 are known to be pathogenic (PMID: 10205261, 17304050). This variant is not present in population databases (gnomAD no frequency). Disruption of this splice site has been observed in individuals with renal cell carcinoma and colon cancer who had features consistent with Cowden syndrome and tuberous sclerosis (PMID: 24271014, 29684080; Invitae). ClinVar contains an entry for this variant (Variation ID: 863043). For these reasons, this variant has been classified as Pathogenic.

Neuberg Centre For Genomic Medicine, NCGM
Classification: Pathogenic for Tuberous sclerosis 2. Review status: criteria provided, single submitter. Criteria: ACMG Guidelines, 2015. Collection method: clinical testing. Allele origin: germline. Inheritance: Autosomal dominant inheritance. Affected: yes.
Comment: The invariant splice acceptor c.139-2A>G variant in TSC2 gene has been reported in an individual affected with TSC2-related disorders Yehia et al., 2018. The c.139-2A>G variant is novel not in any individuals in gnomAD Exomes and 1000 Genomes. This variant has been reported to the ClinVar database as Pathogenic. Loss of function variants have been previously reported to be disease causing. However, additional functional studies will be required to prove the pathogenicity of this variant. For these reasons, this variant has been classified as Likely Pathogenic.

Literature cited by the submitters: PubMed 16199547 (cited by Labcorp Genetics (formerly Invitae), Labcorp); PubMed 10205261 (cited by Labcorp Genetics (formerly Invitae), Labcorp); PubMed 17304050 (cited by Labcorp Genetics (formerly Invitae), Labcorp); PubMed 24271014 (cited by Labcorp Genetics (formerly Invitae), Labcorp); PubMed 29684080 (cited by Labcorp Genetics (formerly Invitae), Labcorp).